The following is an entry in ClinVar:

ClinVar aggregate classification (germline): Uncertain significance (1 of 4 stars; one submission).

Conditions:
Inborn genetic diseases. Identifiers: MedGen C0950123, MeSH D030342.

Submission:

Ambry Genetics
Classification: Uncertain significance for Inborn genetic diseases. Last evaluated: 2023-07-26. Review status: criteria provided, single submitter. Criteria: Ambry Variant Classification Scheme 2023. Collection method: clinical testing. Allele origin: germline.
Comment: The p.T2610R variant (also known as c.7829C>G), located in coding exon 47 of the ATR gene, results from a C to G substitution at nucleotide position 7829. The threonine at codon 2610 is replaced by arginine, an amino acid with similar properties. This amino acid position is conserved. In addition, this alteration is predicted to be tolerated by in silico analysis. Since supporting evidence is limited at this time, the clinical significance of this alteration remains unclear.

NM_001184.4(ATR):c.7829C>G (p.Thr2610Arg)

Gene: ATR (ATR checkpoint kinase; minus strand). Cytogenetic location: 3q23.
Variant type: single nucleotide variant.
Coding change: c.7829C>G on transcript NM_001184.4 (MANE Select); coding-DNA position 7829, C replaced by G.
Protein change: p.Thr2610Arg; replaces threonine 2610 with arginine.
Molecular consequence: missense variant.
Genome position (GRCh38, 1-based): chr3:142,449,535, G>C on the plus strand (C>G on the coding strand, the complement: ATR is on the minus strand). VCF-style: chr3-142449535-G-C. GRCh37 (hg19) VCF-style: chr3-142168377-G-C.
Other names: c.7637C>G, p.Thr2546Arg (NM_001354579.2); short protein forms T2546R, T2610R.
Identifiers: ClinVar variation 1760790 (VCV001760790.3), dbSNP rs2473009011, ClinGen allele CA354793847.